The following is an entry in ClinVar:

ClinVar aggregate classification (germline): Uncertain significance. Review status: criteria provided, multiple submitters, no conflicts (2 of 4 stars). 3 submissions from 3 submitters: Uncertain significance (3). Last evaluated 2024-11-09.

Allele frequency attached by ClinVar (database versions not stated): gnomAD 0.00001 and 0.00002; gnomAD exomes 0.00002 and 0.00006; TOPMed 0.00004; ExAC 0.00019.

Submissions (3):

Ambry Genetics
Classification: Uncertain significance. Last evaluated: 2024-11-09. Review status: criteria provided, single submitter. Criteria: Ambry Variant Classification Scheme 2023. Collection method: clinical testing. Allele origin: germline.

Blueprint Genetics
Classification: Uncertain significance. Last evaluated: 2021-07-20. Review status: criteria provided, single submitter. Criteria: ACMG Guidelines, 2015. Collection method: clinical testing. Allele origin: germline.

Labcorp Genetics (formerly Invitae), Labcorp
Classification: Uncertain significance. Last evaluated: 2019-12-27. Review status: criteria provided, single submitter. Criteria: Invitae Variant Classification Sherloc (09022015). Collection method: clinical testing. Allele origin: germline.
Comment: This sequence change replaces alanine with valine at codon 471 of the DHX38 protein (p.Ala471Val). The alanine residue is highly conserved and there is a small physicochemical difference between alanine and valine. This variant is present in population databases (rs61757601, ExAC 0.04%). This variant has not been reported in the literature in individuals with DHX38-related conditions. Algorithms developed to predict the effect of missense changes on protein structure and function are either unavailable or do not agree on the potential impact of this missense change (SIFT: "Deleterious"; PolyPhen-2: "Probably Damaging"; Align-GVGD: "Class C0"). Algorithms developed to predict the effect of sequence changes on RNA splicing suggest that this variant may create or strengthen a splice site, but this prediction has not been confirmed by published transcriptional studies. In summary, the available evidence is currently insufficient to determine the role of this variant in disease. Therefore, it has been classified as a Variant of Uncertain Significance.

NM_014003.4(DHX38):c.1412C>T (p.Ala471Val)

Gene: DHX38 (DEAH-box helicase 38; plus strand). Cytogenetic location: 16q22.2.
Variant type: single nucleotide variant.
Coding change: c.1412C>T on transcript NM_014003.4 (MANE Select); coding-DNA position 1412, C replaced by T.
Protein change: p.Ala471Val; replaces alanine 471 with valine.
Molecular consequence: missense variant.
Genome position (GRCh38, 1-based): chr16:72,101,525, C>T. VCF-style: chr16-72101525-C-T. GRCh37 (hg19) VCF-style: chr16-72135424-C-T.
Other names: short protein forms A471V.
Identifiers: ClinVar variation 843526 (VCV000843526.11), dbSNP rs61757601, ClinGen allele CA8160315.